The following is an entry in ClinVar:

ClinVar aggregate classification (germline): Benign/Likely benign. Review status: criteria provided, multiple submitters, no conflicts (2 of 4 stars). 6 submissions from 6 submitters: Benign (2); Likely benign (3). 1 of the submissions does not count toward it. Last evaluated 2025-06-27.

Conditions:
Inborn genetic diseases. Identifiers: MedGen C0950123, MeSH D030342.
ADNP-related disorder. Also called: ADNP-related condition.
ADNP-related multiple congenital anomalies - intellectual disability - autism spectrum disorder. Also called: ADNP-Related Helsmoortel-Van der Aa Syndrome; Helsmoortel-Van der Aa Syndrome. Identifiers: Orphanet 404448, MedGen C4014538, MONDO:0014379, OMIM 615873. Disease mechanism: loss of function.

Allele frequency attached by ClinVar (database versions not stated): gnomAD 0.00008 and 0.00009; gnomAD exomes 0.00016; ExAC 0.00017; TOPMed 0.00017; 1000 Genomes Project 30x 0.00047; 1000 Genomes Project 0.00060.
gnomAD v4.1: 117 of 1,614,238 alleles (0.0072%); highest among the groups gnomAD compares: East Asian, 0.16%; no homozygotes.

Submissions (6):

Labcorp Genetics (formerly Invitae), Labcorp
Classification: Likely benign. Last evaluated: 2025-06-27. Review status: criteria provided, single submitter. Criteria: Invitae Variant Classification Sherloc (09022015). Collection method: clinical testing. Allele origin: germline.

Blueprint Genetics
Classification: Likely benign. Last evaluated: 2024-11-25. Review status: criteria provided, single submitter. Criteria: ACMG Guidelines, 2015. Collection method: clinical testing. Allele origin: germline.

Genome-Nilou Lab
Classification: Benign for ADNP-related multiple congenital anomalies - intellectual disability - autism spectrum disorder. Last evaluated: 2021-12-05. Review status: criteria provided, single submitter. Criteria: ACMG Guidelines, 2015. Collection method: clinical testing. Allele origin: germline. Affected: no.

GeneDx
Classification: Benign. Last evaluated: 2019-04-09. Review status: criteria provided, single submitter. Criteria: GeneDx Variant Classification Process June 2021. Collection method: clinical testing. Allele origin: germline. Affected: yes.

Ambry Genetics
Classification: Likely benign for Inborn genetic diseases. Last evaluated: 2018-09-30. Review status: criteria provided, single submitter. Criteria: Ambry Variant Classification Scheme 2023. Collection method: clinical testing. Allele origin: germline.

PreventionGenetics, part of Exact Sciences
Classification: Likely benign for ADNP-related condition. Last evaluated: 2024-07-12. Review status: no assertion criteria provided. Collection method: clinical testing. Allele origin: germline. Not counted in ClinVar's aggregate classification.
Comment: This variant is classified as likely benign based on ACMG/AMP sequence variant interpretation guidelines (Richards et al. 2015 PMID: 25741868, with internal and published modifications).

NM_001282531.3(ADNP):c.2815A>C (p.Ile939Leu)

Gene: ADNP (activity dependent neuroprotector homeobox; minus strand). Cytogenetic location: 20q13.13.
Variant type: single nucleotide variant.
Coding change: c.2815A>C on transcript NM_001282531.3 (MANE Select); coding-DNA position 2815, A replaced by C.
Protein change: p.Ile939Leu; replaces isoleucine 939 with leucine.
Molecular consequence: missense variant.
Genome position (GRCh38, 1-based): chr20:50,891,899, T>G on the plus strand (A>C on the coding strand, the complement: ADNP is on the minus strand). VCF-style: chr20-50891899-T-G. GRCh37 (hg19) VCF-style: chr20-49508436-T-G.
Other names: c.2815A>C (NM_001282531.2); c.2815A>C, p.Ile939Leu (NM_001282532.2, NM_001347511.2, NM_015339.5 and 1 more transcripts); short protein forms I939L.
Identifiers: ClinVar variation 722218 (VCV000722218.15), dbSNP rs201104498, ClinGen allele CA9908514.
Genomic context (GRCh38, chr20:50,891,899, plus strand): 5'-GGTCAACCTCACTATCAGATGCATTGTGCATTAGTTTGGTTGGTTCCTCAGTCAAATGAA[T>G]AGTTTCGTATTTTGAACCATCCTCTTTTTGGTCTAGCTTCTCCTCAGATTCTGAAGCATC-3'
Protein context (NP_001269460.1, residues 929-949): QKEDGSKYET[Ile939Leu]HLTEEPTKLM